The following is an entry in ClinVar:

NM_001008212.2(OPTN):c.939_940insA (p.Gln314fs)

Gene: OPTN (optineurin; plus strand). Cytogenetic location: 10p13.
Variant type: Insertion.
Coding change: c.939_940insA on transcript NM_001008212.2 (MANE Select); coding-DNA positions 939 to 940, A inserted.
Protein change: p.Gln314fs; shifts the reading frame from glutamine 314.
Molecular consequence: frameshift variant.
Genome position: GRCh38 VCF-style: chr10-13124051-T-TA. GRCh37 (hg19) VCF-style: chr10-13166051-T-TA.
Other names: c.939_940insA, p.Gln314fs (NM_001008211.1, NM_001008213.1, NM_021980.4); short protein forms Q314fs.
Identifiers: ClinVar variation 3348875 (VCV003348875.1).
Genomic context (GRCh38, chr10:13,124,051, plus strand): 5'-ATAGGTTGGAAGCGAAGTGGAAGCACTGAACCTCCAGGTGACATCTCTGTTTAAGGAGCT[T>TA]CAAGAGGCTCATACAAAACTCAGCGAAGCTGAGCTAATGAAGAAGAGACTTCAAGAAAAG-3'

ClinVar aggregate classification (germline): Likely pathogenic (0 of 4 stars; one submission).

Conditions:
OPTN-related disorder. Also called: OPTN-related condition; OPTN-related disorders.

Submission:

PreventionGenetics, part of Exact Sciences
Classification: Likely pathogenic for OPTN-related condition. Last evaluated: 2024-03-20. Review status: no assertion criteria provided. Collection method: clinical testing. Allele origin: germline.
Comment: The OPTN c.939_940insA variant is predicted to result in a frameshift and premature protein termination (p.Gln314Thrfs*11). To our knowledge, this variant has not been reported in the literature or in a large population database, indicating this variant is rare. Frameshift variants in OPTN are expected to be pathogenic. This variant is interpreted as likely pathogenic.